The following is an entry in ClinVar:

NM_020921.4(NIN):c.4661T>G (p.Met1554Arg)

Gene: NIN (ninein; minus strand). Cytogenetic location: 14q22.1.
Variant type: single nucleotide variant.
Coding change: c.4661T>G on transcript NM_020921.4 (MANE Select); coding-DNA position 4661, T replaced by G.
Protein change: p.Met1554Arg; replaces methionine 1554 with arginine.
Molecular consequence: missense variant.
Genome position (GRCh38, 1-based): chr14:50,754,745, A>C on the plus strand (T>G on the coding strand, the complement: NIN is on the minus strand). VCF-style: chr14-50754745-A-C. GRCh37 (hg19) VCF-style: chr14-51221463-A-C.
Other names: c.2522T>G, p.Met841Arg (NM_016350.5); c.4661T>G, p.Met1554Arg (NM_182944.3, NM_182946.2); short protein forms M1554R, M841R.
Identifiers: ClinVar variation 2181596 (VCV002181596.4), dbSNP rs112447820, ClinGen allele CA389689150.

ClinVar aggregate classification (germline): Uncertain significance (1 of 4 stars; one submission).

Allele frequency attached by ClinVar (database versions not stated): gnomAD exomes below 0.00001; gnomAD 0.00001.

Submission:

Labcorp Genetics (formerly Invitae), Labcorp
Classification: Uncertain significance. Last evaluated: 2022-05-06. Review status: criteria provided, single submitter. Criteria: Invitae Variant Classification Sherloc (09022015). Collection method: clinical testing. Allele origin: germline.
Comment: This variant is present in population databases (no rsID available, gnomAD 0.007%). In summary, the available evidence is currently insufficient to determine the role of this variant in disease. Therefore, it has been classified as a Variant of Uncertain Significance. Algorithms developed to predict the effect of sequence changes on RNA splicing suggest that this variant may create or strengthen a splice site. Algorithms developed to predict the effect of missense changes on protein structure and function (SIFT, PolyPhen-2, Align-GVGD) all suggest that this variant is likely to be disruptive. This variant has not been reported in the literature in individuals affected with NIN-related conditions. This sequence change replaces methionine, which is neutral and non-polar, with arginine, which is basic and polar, at codon 1554 of the NIN protein (p.Met1554Arg).